The following is an entry in ClinVar:

ClinVar aggregate classification (germline): Pathogenic (1 of 4 stars; one submission).

Conditions:
Mucopolysaccharidosis, MPS-III-C (MPS3C). Also called: SANFILIPPO SYNDROME C; MPS III C; MPS IIIC (Sanfilippo Syndrome Type C); MUCOPOLYSACCHARIDOSIS, TYPE IIIC; Mucopolysaccharidosis type IIIC (Sanfilippo C); mucopolysaccharidosis type 3C. Identifiers: Orphanet 581, Orphanet 79271, MedGen C0086649, MONDO:0009657, OMIM 252930.
Retinitis pigmentosa 73 (RP73). Identifiers: Orphanet 791, MedGen C4225287, MONDO:0014687, OMIM 616544.

Submission:

Labcorp Genetics (formerly Invitae), Labcorp
Classification: Pathogenic for Retinitis pigmentosa 73; Mucopolysaccharidosis, MPS-III-C. Last evaluated: 2025-03-17. Review status: criteria provided, single submitter. Criteria: Invitae Variant Classification Sherloc (09022015). Collection method: clinical testing. Allele origin: germline.
Comment: This sequence change creates a premature translational stop signal (p.Gly261*) in the HGSNAT gene. It is expected to result in an absent or disrupted protein product. Loss-of-function variants in HGSNAT are known to be pathogenic (PMID: 17033958, 19479962, 25859010). This variant is not present in population databases (gnomAD no frequency). This variant has not been reported in the literature in individuals affected with HGSNAT-related conditions. ClinVar contains an entry for this variant (Variation ID: 1453856). For these reasons, this variant has been classified as Pathogenic.

Literature cited by the submitters: PubMed 17033958; PubMed 19479962; PubMed 25859010.

NM_152419.3(HGSNAT):c.781G>T (p.Gly261Ter)

Gene: HGSNAT (heparan-alpha-glucosaminide N-acetyltransferase; plus strand). Cytogenetic location: 8p11.21.
Variant type: single nucleotide variant.
Coding change: c.781G>T on transcript NM_152419.3 (MANE Select); coding-DNA position 781, G replaced by T.
Protein change: p.Gly261Ter; replaces glycine 261 with a stop codon.
Molecular consequence: nonsense. On other transcripts: 5 prime UTR variant (1).
Genome position (GRCh38, 1-based): chr8:43,172,347, G>T. VCF-style: chr8-43172347-G-T. GRCh37 (hg19) VCF-style: chr8-43027490-G-T.
Other names: c.781G>T, p.Gly261Ter (NM_001363227.2, NM_001363228.2); c.-53G>T (NM_001363229.2); short protein forms G261*.
Identifiers: ClinVar variation 1453856 (VCV001453856.6), dbSNP rs2130750698, ClinGen allele CA371116368.